The following is an entry in ClinVar:

ClinVar aggregate classification (germline): Uncertain significance (1 of 4 stars; one submission).

Allele frequency attached by ClinVar (database versions not stated): gnomAD exomes below 0.00001.
gnomAD v4.1: 1 of 1,613,956 alleles (0.000062%); highest among the groups gnomAD compares: Middle Eastern, 0.017%; no homozygotes.

Submission:

GeneDx
Classification: Uncertain significance. Last evaluated: 2019-07-03. Review status: criteria provided, single submitter. Criteria: GeneDx Variant Classification Process June 2021. Collection method: clinical testing. Allele origin: germline. Affected: yes.
Comment: Has not been previously published as pathogenic or benign to our knowledge; Not observed in large population cohorts (Lek et al., 2016); In silico analysis, which includes protein predictors and evolutionary conservation, supports that this variant does not alter protein structure/function; Occurs in the triple helical domain at the Y position in the canonical Gly-X-Y repeat; although this variant may have an effect on normal protein folding and function, missense substitution at the Y position is not a common mechanism of disease (Symoens et al., 2012; Stenson et al., 2014)

NM_000093.5(COL5A1):c.4642T>A (p.Ser1548Thr)

Genes: COL5A1 (collagen type V alpha 1 chain; plus strand), LOC101448202 (uncharacterized LOC101448202; minus strand). Cytogenetic location: 9q34.3.
Variant type: single nucleotide variant.
Coding change: c.4642T>A on transcript NM_000093.5 (MANE Select); coding-DNA position 4642, T replaced by A.
Protein change: p.Ser1548Thr; replaces serine 1548 with threonine.
Molecular consequence: missense variant.
Genome position (GRCh38, 1-based): chr9:134,823,031, T>A. VCF-style: chr9-134823031-T-A. GRCh37 (hg19) VCF-style: chr9-137714877-T-A.
Other names: c.4642T>A, p.Ser1548Thr (NM_001278074.1); short protein forms S1548T.
Identifiers: ClinVar variation 1321130 (VCV001321130.2), dbSNP rs1839084618, ClinGen allele CA375458138.